The following is an entry in ClinVar:

ClinVar aggregate classification (germline): Uncertain significance (1 of 4 stars; one submission).

gnomAD v4.1: 1 of 1,613,850 alleles (0.000062%); no homozygotes.

Submission:

Labcorp Genetics (formerly Invitae), Labcorp
Classification: Uncertain significance. Last evaluated: 2024-12-05. Review status: criteria provided, single submitter. Criteria: Invitae Variant Classification Sherloc (09022015). Collection method: clinical testing. Allele origin: germline.
Comment: This sequence change replaces tyrosine, which is neutral and polar, with histidine, which is basic and polar, at codon 89 of the CACNA2D4 protein (p.Tyr89His). This variant is not present in population databases (gnomAD no frequency). This variant has not been reported in the literature in individuals affected with CACNA2D4-related conditions. An algorithm developed to predict the effect of missense changes on protein structure and function (PolyPhen-2) suggests that this variant is likely to be disruptive. In summary, the available evidence is currently insufficient to determine the role of this variant in disease. Therefore, it has been classified as a Variant of Uncertain Significance.

NM_172364.5(CACNA2D4):c.265T>C (p.Tyr89His)

Gene: CACNA2D4 (calcium voltage-gated channel auxiliary subunit alpha2delta 4; minus strand). Cytogenetic location: 12p13.33.
Variant type: single nucleotide variant.
Coding change: c.265T>C on transcript NM_172364.5 (MANE Select); coding-DNA position 265, T replaced by C.
Protein change: p.Tyr89His; replaces tyrosine 89 with histidine.
Molecular consequence: missense variant.
Genome position (GRCh38, 1-based): chr12:1,914,898, A>G on the plus strand (T>C on the coding strand, the complement: CACNA2D4 is on the minus strand). VCF-style: chr12-1914898-A-G. GRCh37 (hg19) VCF-style: chr12-2024064-A-G.
Other names: short protein forms Y89H.
Identifiers: ClinVar variation 3671107 (VCV003671107.2).